The following is an entry in ClinVar:

ClinVar aggregate classification (germline): Uncertain significance (1 of 4 stars; one submission).

Conditions:
Inborn genetic diseases. Identifiers: MedGen C0950123, MeSH D030342.

Submission:

Ambry Genetics
Classification: Uncertain significance for Inborn genetic diseases. Last evaluated: 2020-01-21. Review status: criteria provided, single submitter. Criteria: Ambry Variant Classification Scheme 2023. Collection method: clinical testing. Allele origin: germline.
Comment: The p.W867C variant (also known as c.2601G>T), located in coding exon 16 of the TRAPPC9 gene, results from a G to T substitution at nucleotide position 2601. The tryptophan at codon 867 is replaced by cysteine, an amino acid with highly dissimilar properties. This amino acid position is highly conserved in available vertebrate species. In addition, this alteration is predicted to be deleterious by in silico analysis. Since supporting evidence is limited at this time, the clinical significance of this alteration remains unclear.

NM_001160372.4(TRAPPC9):c.2307G>T (p.Trp769Cys)

Gene: TRAPPC9 (trafficking protein particle complex subunit 9; minus strand). Cytogenetic location: 8q24.3.
Variant type: single nucleotide variant.
Coding change: c.2307G>T on transcript NM_001160372.4 (MANE Select); coding-DNA position 2307, G replaced by T.
Protein change: p.Trp769Cys; replaces tryptophan 769 with cysteine.
Molecular consequence: missense variant. On other transcripts: non-coding transcript variant (1).
Genome position (GRCh38, 1-based): chr8:140,252,901, C>A on the plus strand (G>T on the coding strand, the complement: TRAPPC9 is on the minus strand). VCF-style: chr8-140252901-C-A. GRCh37 (hg19) VCF-style: chr8-141263000-C-A.
Other names: c.2280G>T, p.Trp760Cys (NM_001321646.2); c.2328G>T, p.Trp776Cys (NM_001374682.1); c.2307G>T, p.Trp769Cys (NM_001374683.1, NM_031466.8); c.2163G>T, p.Trp721Cys (NM_001374684.1); short protein forms W721C, W776C, W760C, W769C.
Identifiers: ClinVar variation 1793688 (VCV001793688.2), dbSNP rs2539161760, ClinGen allele CA372737673.